The following is an entry in ClinVar:

ClinVar aggregate classification (germline): Uncertain significance (1 of 4 stars; one submission).

Submission:

Ambry Genetics
Classification: Uncertain significance. Last evaluated: 2022-07-11. Review status: criteria provided, single submitter. Criteria: Ambry Variant Classification Scheme 2023. Collection method: clinical testing. Allele origin: germline.
Comment: The p.V914A variant (also known as c.2741T>C), located in coding exon 4 of the ALPK2 gene, results from a T to C substitution at nucleotide position 2741. The valine at codon 914 is replaced by alanine, an amino acid with similar properties. This amino acid position is conserved. In addition, this alteration is predicted to be tolerated by in silico analysis. Since supporting evidence is limited at this time, the clinical significance of this alteration remains unclear.

NM_052947.4(ALPK2):c.2741T>C (p.Val914Ala)

Gene: ALPK2 (alpha kinase 2; minus strand). Cytogenetic location: 18q21.31.
Variant type: single nucleotide variant.
Coding change: c.2741T>C on transcript NM_052947.4 (MANE Select); coding-DNA position 2741, T replaced by C.
Protein change: p.Val914Ala; replaces valine 914 with alanine.
Molecular consequence: missense variant.
Genome position (GRCh38, 1-based): chr18:58,537,446, A>G on the plus strand (T>C on the coding strand, the complement: ALPK2 is on the minus strand). VCF-style: chr18-58537446-A-G. GRCh37 (hg19) VCF-style: chr18-56204678-A-G.
Other names: short protein forms V914A.
Identifiers: ClinVar variation 1795448 (VCV001795448.2), dbSNP rs2518877303, ClinGen allele CA402569880.
Genomic context (GRCh38, chr18:58,537,446, plus strand): 5'-GGGCTTGGCTGCTCCTGGCCAGCATGTACTGTGGAGGCCAGTGGGTAGGTGGAATTCTCC[A>G]CCTTGGCTAGATTTTCTCCTGTGGCACCTTCACTAGCTGTGTGTGAAATGTTCAAGGTGA-3'
Protein context (NP_443179.3, residues 904-924): EGATGENLAK[Val914Ala]ENSTYPLAST